The following is an entry in ClinVar:

NM_033004.4(NLRP1):c.2412C>T (p.Leu804=)

Gene: NLRP1 (NLR family pyrin domain containing 1; minus strand). Cytogenetic location: 17p13.2.
Variant type: single nucleotide variant.
Coding change: c.2412C>T on transcript NM_033004.4 (MANE Select); coding-DNA position 2412, C replaced by T.
Protein change: p.Leu804=; no amino-acid change (leucine 804 retained).
Molecular consequence: synonymous variant.
Genome position (GRCh38, 1-based): chr17:5,553,502, G>A on the plus strand (C>T on the coding strand, the complement: NLRP1 is on the minus strand). VCF-style: chr17-5553502-G-A. GRCh37 (hg19) VCF-style: chr17-5456822-G-A.
Other names: c.2412C>T, p.Leu804= (NM_001033053.3, NM_014922.5, NM_033006.4 and 1 more transcripts); c.2412C>T (NM_033004.3).
Identifiers: ClinVar variation 1594218 (VCV001594218.11), dbSNP rs200632399, ClinGen allele CA8327166.

ClinVar aggregate classification (germline): Likely benign. Review status: criteria provided, multiple submitters, no conflicts (2 of 4 stars). 3 submissions from 3 submitters: Likely benign (2). 1 of the submissions does not count toward it. Last evaluated 2025-12-24.

Conditions:
NLRP1-related disorder. Also called: NLRP1-related condition.

Allele frequency attached by ClinVar (database versions not stated): gnomAD 0.00001; ExAC 0.00002; gnomAD exomes 0.00002; TOPMed 0.00002.
gnomAD v4.1: 28 of 1,614,224 alleles (0.0017%); highest among the groups gnomAD compares: South Asian, 0.0044%; no homozygotes.

Submissions (3):

Labcorp Genetics (formerly Invitae), Labcorp
Classification: Likely benign. Last evaluated: 2025-12-24. Review status: criteria provided, single submitter. Criteria: Invitae Variant Classification Sherloc (09022015). Collection method: clinical testing. Allele origin: germline.

Blueprint Genetics
Classification: Likely benign. Last evaluated: 2023-05-22. Review status: criteria provided, single submitter. Criteria: ACMG Guidelines, 2015. Collection method: clinical testing. Allele origin: germline.

PreventionGenetics, part of Exact Sciences
Classification: Likely benign for NLRP1-related condition. Last evaluated: 2024-03-11. Review status: no assertion criteria provided. Collection method: clinical testing. Allele origin: germline. Not counted in ClinVar's aggregate classification.
Comment: This variant is classified as likely benign based on ACMG/AMP sequence variant interpretation guidelines (Richards et al. 2015 PMID: 25741868, with internal and published modifications).